The following is an entry in ClinVar:

ClinVar aggregate classification (germline): Uncertain significance. Review status: criteria provided, multiple submitters, no conflicts (2 of 4 stars). 2 submissions from 2 submitters: Uncertain significance (2). Last evaluated 2025-06-30.

Conditions:
Inborn genetic diseases. Identifiers: MedGen C0950123, MeSH D030342.

Allele frequency attached by ClinVar (database versions not stated): gnomAD exomes 0.00001; ExAC 0.00003; gnomAD 0.00004; ESP Exome Variant Server 0.00008; TOPMed 0.00008.
gnomAD v4.1: 16 of 1,614,102 alleles (0.00099%); highest among the groups gnomAD compares: African/African-American, 0.021%; no homozygotes.

Submissions (2):

Ambry Genetics
Classification: Uncertain significance for Inborn genetic diseases. Last evaluated: 2025-06-30. Review status: criteria provided, single submitter. Criteria: Ambry Variant Classification Scheme 2023. Collection method: clinical testing. Allele origin: germline.

Labcorp Genetics (formerly Invitae), Labcorp
Classification: Uncertain significance. Last evaluated: 2022-05-06. Review status: criteria provided, single submitter. Criteria: Invitae Variant Classification Sherloc (09022015). Collection method: clinical testing. Allele origin: germline.
Comment: This sequence change replaces glutamic acid, which is acidic and polar, with lysine, which is basic and polar, at codon 371 of the HPS4 protein (p.Glu371Lys). This variant is present in population databases (rs377095634, gnomAD 0.03%). This variant has not been reported in the literature in individuals affected with HPS4-related conditions. Algorithms developed to predict the effect of missense changes on protein structure and function output the following: SIFT: "Tolerated"; PolyPhen-2: "Benign"; Align-GVGD: "Class C0". The lysine amino acid residue is found in multiple mammalian species, which suggests that this missense change does not adversely affect protein function. In summary, the available evidence is currently insufficient to determine the role of this variant in disease. Therefore, it has been classified as a Variant of Uncertain Significance.

NM_022081.6(HPS4):c.1111G>A (p.Glu371Lys)

Gene: HPS4 (HPS4 biogenesis of lysosomal organelles complex 3 subunit 2; minus strand). Cytogenetic location: 22q12.1.
Variant type: single nucleotide variant.
Coding change: c.1111G>A on transcript NM_022081.6 (MANE Select); coding-DNA position 1111, G replaced by A.
Protein change: p.Glu371Lys; replaces glutamic acid 371 with lysine.
Molecular consequence: missense variant. On other transcripts: non-coding transcript variant (8).
Genome position (GRCh38, 1-based): chr22:26,464,519, C>T on the plus strand (G>A on the coding strand, the complement: HPS4 is on the minus strand). VCF-style: chr22-26464519-C-T. GRCh37 (hg19) VCF-style: chr22-26860485-C-T.
Other names: c.1111G>A (NM_022081.4); c.1111G>A, p.Glu371Lys (NM_001349896.1, NM_001349898.2, NM_001349899.2 and 5 more transcripts); c.1165G>A, p.Glu389Lys (NM_001349900.2, NM_001349901.1); c.1096G>A, p.Glu366Lys (NM_152841.2); short protein forms E366K, E371K, E389K.
Identifiers: ClinVar variation 1900272 (VCV001900272.5), dbSNP rs377095634, ClinGen allele CA10163401.
Genomic context (GRCh38, chr22:26,464,519, plus strand): 5'-GTAGGAAGGCAAAATGACCTGAGGCCATTTCCACTTCCTGAGCCTCTGGAATGTGGATTT[C>T]AGACAAGTCGAGTTCTTCTTGGAGAAAGACTAGTTCCTTCCCCAGGGAGGAGCTGAGGCC-3'
Protein context (NP_071364.4, residues 361-381): VFLQEELDLS[Glu371Lys]IHIPEAQEVE